The following is an entry in ClinVar:

ClinVar aggregate classification (germline): Likely benign (1 of 4 stars; one submission).

Conditions:
Cardiomyopathy (CMYO). Also called: Cardiomyopathies. Identifiers: Orphanet 167848, MedGen C0878544, MONDO:0004994, HP:0001638. Inheritance: Various modes of inheritance.

Submission:

All of Us Research Program, National Institutes of Health
Classification: Likely benign for Cardiomyopathy. Last evaluated: 2023-06-26. Review status: criteria provided, single submitter. Criteria: ACMG Guidelines, 2015. Collection method: clinical testing. Allele origin: germline. Inheritance: Autosomal dominant inheritance. Observed: 1 variant allele, 1 heterozygote.
Comment: This study involves interpretation of variants in research participants for the purpose of population health screening. Participant phenotype was not available at the time of variant classification. Additional details can be found in publication PMID: 35346344, PMCID: PMC8962531

NM_000257.4(MYH7):c.804G>A (p.Leu268=)

Gene: MYH7 (myosin heavy chain 7; minus strand). Cytogenetic location: 14q11.2.
Variant type: single nucleotide variant.
Coding change: c.804G>A on transcript NM_000257.4 (MANE Select); coding-DNA position 804, G replaced by A.
Protein change: p.Leu268=; no amino-acid change (leucine 268 retained).
Molecular consequence: synonymous variant.
Genome position (GRCh38, 1-based): chr14:23,430,992, C>T on the plus strand (G>A on the coding strand, the complement: MYH7 is on the minus strand). VCF-style: chr14-23430992-C-T. GRCh37 (hg19) VCF-style: chr14-23900201-C-T.
Other names: c.804G>A, p.Leu268= (NM_001407004.1).
Identifiers: ClinVar variation 3071915 (VCV003071915.1), dbSNP rs1892911789, ClinGen allele CA485626224.